The following is an entry in ClinVar:

ClinVar aggregate classification (germline): Uncertain significance (1 of 4 stars; one submission).

gnomAD v4.1: 31 of 1,614,148 alleles (0.0019%); highest among the groups gnomAD compares: African/African-American, 0.036%; 1 homozygote.

Submission:

Labcorp Genetics (formerly Invitae), Labcorp
Classification: Uncertain significance. Last evaluated: 2025-09-23. Review status: criteria provided, single submitter. Criteria: Invitae Variant Classification Sherloc (09022015). Collection method: clinical testing. Allele origin: germline.
Comment: This sequence change replaces serine, which is neutral and polar, with glycine, which is neutral and non-polar, at codon 3698 of the ANK3 protein (p.Ser3698Gly). This variant is present in population databases (rs143147597, gnomAD 0.02%). This variant has not been reported in the literature in individuals affected with ANK3-related conditions. Invitae Evidence Modeling of protein sequence and biophysical properties (such as structural, functional, and spatial information, amino acid conservation, physicochemical variation, residue mobility, and thermodynamic stability) indicates that this missense variant is not expected to disrupt ANK3 protein function with a negative predictive value of 80%. In summary, the available evidence is currently insufficient to determine the role of this variant in disease. Therefore, it has been classified as a Variant of Uncertain Significance.

NM_020987.5(ANK3):c.11092A>G (p.Ser3698Gly)

Gene: ANK3 (ankyrin 3; minus strand). Cytogenetic location: 10q21.2.
Variant type: single nucleotide variant.
Coding change: c.11092A>G on transcript NM_020987.5 (MANE Select); coding-DNA position 11092, A replaced by G.
Protein change: p.Ser3698Gly; replaces serine 3698 with glycine.
Molecular consequence: missense variant. On other transcripts: intron variant (4).
Genome position (GRCh38, 1-based): chr10:60,069,789, T>C on the plus strand (A>G on the coding strand, the complement: ANK3 is on the minus strand). VCF-style: chr10-60069789-T-C. GRCh37 (hg19) VCF-style: chr10-61829547-T-C.
Other names: c.4388-1780A>G (NM_001204403.2); c.4409-1780A>G (NM_001204404.2); c.4406-1780A>G (NM_001320874.2); c.1808-1780A>G (NM_001149.4); short protein forms S3698G.
Identifiers: ClinVar variation 4754842 (VCV004754842.1).